The following is an entry in ClinVar:

NM_004656.4(BAP1):c.1421C>T (p.Pro474Leu)

Gene: BAP1 (BRCA1 associated deubiquitinase 1; minus strand). Cytogenetic location: 3p21.1.
Variant type: single nucleotide variant.
Coding change: c.1421C>T on transcript NM_004656.4 (MANE Select); coding-DNA position 1421, C replaced by T.
Protein change: p.Pro474Leu; replaces proline 474 with leucine.
Molecular consequence: missense variant.
Genome position (GRCh38, 1-based): chr3:52,403,724, G>A on the plus strand (C>T on the coding strand, the complement: BAP1 is on the minus strand). VCF-style: chr3-52403724-G-A. GRCh37 (hg19) VCF-style: chr3-52437740-G-A.
Other names: short protein forms P474L.
Identifiers: ClinVar variation 489618 (VCV000489618.22), dbSNP rs770422186, ClinGen allele CA2436807.

ClinVar aggregate classification (germline): Conflicting classifications of pathogenicity. Review status: criteria provided, conflicting classifications (1 of 4 stars). 7 submissions from 7 submitters: Uncertain significance (3); Likely benign (4). Last evaluated 2025-12-29.

Conditions:
BAP1-related disorder. Also called: BAP1-related condition.
Hereditary cancer. Identifiers: MedGen C1333600.
Hereditary cancer-predisposing syndrome. Also called: Neoplastic Syndromes, Hereditary; Hereditary Cancer Syndrome; Tumor predisposition; Hereditary neoplastic syndrome. Identifiers: Orphanet 140162, MedGen C0027672, MeSH D009386, MONDO:0015356.
BAP1-related tumor predisposition syndrome (TPDS1). Also called: Tumor susceptibility linked to germline BAP1 mutations; COMMON Syndrome; BAP1 tumor predisposition syndrome; TUMOR PREDISPOSITION SYNDROME 1. Identifiers: Orphanet 289539, MedGen C3280492, MONDO:0013692, OMIM 614327.

Allele frequency attached by ClinVar (database versions not stated): gnomAD 0.00001; TOPMed 0.00001; gnomAD exomes 0.00003; ExAC 0.00005.
gnomAD v4.1: 45 of 1,613,892 alleles (0.0028%); highest among the groups gnomAD compares: East Asian, 0.0067%; no homozygotes.

Submissions (7):

Labcorp Genetics (formerly Invitae), Labcorp
Classification: Uncertain significance for BAP1-related tumor predisposition syndrome. Last evaluated: 2025-12-29. Review status: criteria provided, single submitter. Criteria: Invitae Variant Classification Sherloc (09022015). Collection method: clinical testing. Allele origin: germline.
Comment: This sequence change replaces proline, which is neutral and non-polar, with leucine, which is neutral and non-polar, at codon 474 of the BAP1 protein (p.Pro474Leu). This variant is present in population databases (rs770422186, gnomAD 0.02%). This variant has not been reported in the literature in individuals affected with BAP1-related conditions. ClinVar contains an entry for this variant (Variation ID: 489618). An algorithm developed to predict the effect of missense changes on protein structure and function (PolyPhen-2) suggests that this variant is likely to be disruptive. In summary, the available evidence is currently insufficient to determine the role of this variant in disease. Therefore, it has been classified as a Variant of Uncertain Significance.

PreventionGenetics, part of Exact Sciences
Classification: Likely benign for BAP1-related condition. Last evaluated: 2025-10-08. Review status: criteria provided, single submitter. Criteria: ACMG Guidelines, 2015. Collection method: clinical testing. Allele origin: germline.
Comment: This variant is classified as likely benign based on ACMG/AMP sequence variant interpretation guidelines (Richards et al. 2015 PMID: 25741868, with internal and published modifications).

Mendelics
Classification: Likely benign for Hereditary cancer. Last evaluated: 2025-02-27. Review status: criteria provided, single submitter. Criteria: ACMG Guidelines, 2015. Collection method: clinical testing. Allele origin: unknown.
Comment: This variant is considered likely benign or benign based on one or more of the following: it is predicted to be benign by multiple in silico algorithms, and/or has population frequency not consistent with disease, and/or has normal protein function, and/or has lack of segregation with disease, and/or has been detected in co-occurrence with known pathogenic variant, and/or has lack of disease association in case-control studies, and/or is located in a region inconsistent with a known cause of pathogenicity.

Myriad Genetics, Inc.
Classification: Likely benign for BAP1-related tumor predisposition syndrome. Last evaluated: 2024-07-16. Review status: criteria provided, single submitter. Criteria: Myriad Autosomal Dominant, Autosomal Recessive and X-Linked Classification Criteria (2023). Collection method: clinical testing. Allele origin: unknown.
Comment: This variant is considered likely benign. This variant has been observed at a population frequency that is significantly greater than expected given the associated disease prevalence and penetrance.

GeneDx
Classification: Uncertain significance. Last evaluated: 2024-06-11. Review status: criteria provided, single submitter. Criteria: GeneDx Variant Classification Process June 2021. Collection method: clinical testing. Allele origin: germline. Affected: yes.
Comment: In silico analysis indicates that this missense variant does not alter protein structure/function; Has not been previously published as pathogenic or benign to our knowledge

Color Diagnostics, LLC DBA Color Health
Classification: Uncertain significance for Hereditary cancer-predisposing syndrome. Last evaluated: 2023-05-05. Review status: criteria provided, single submitter. Criteria: ACMG Guidelines, 2015. Collection method: clinical testing. Allele origin: germline.
Comment: This missense variant replaces proline with leucine at codon 474 of the BAP1 protein. Computational prediction suggests that this variant may not impact protein structure and function (internally defined REVEL score threshold <= 0.5, PMID: 27666373). To our knowledge, functional studies have not been reported for this variant. This variant has not been reported in individuals affected with hereditary cancer in the literature. This variant has been identified in 8/251244 chromosomes in the general population by the Genome Aggregation Database (gnomAD). The available evidence is insufficient to determine the role of this variant in disease conclusively. Therefore, this variant is classified as a Variant of Uncertain Significance.

Ambry Genetics
Classification: Likely benign for Hereditary cancer-predisposing syndrome. Last evaluated: 2022-02-01. Review status: criteria provided, single submitter. Criteria: Ambry Variant Classification Scheme 2023. Collection method: clinical testing. Allele origin: germline.